The following is an entry in ClinVar:

NM_003482.4(KMT2D):c.15057_15061del (p.Leu5020fs)

Gene: KMT2D (lysine methyltransferase 2D; minus strand). Cytogenetic location: 12q13.12.
Variant type: Deletion.
Coding change: c.15057_15061del on transcript NM_003482.4 (MANE Select); coding-DNA positions 15057 to 15061, 5 bases deleted (CTTGC; older notation c.15057_15061delCTTGC).
Protein change: p.Leu5020fs; shifts the reading frame from leucine 5020.
Molecular consequence: frameshift variant.
Genome position (GRCh38, 1-based): chr12:49,026,905-49,026,909, GCAAG deleted on the plus strand (CTTGC on the coding strand, the reverse complement: KMT2D is on the minus strand); deleting any 5 consecutive bases within chr12:49,026,905-49,026,911 gives the same sequence; the c. name uses the placement nearest the transcript's 3' end. VCF-style (leftmost placement, unchanged base first): chr12-49026904-CGCAAG-C. GRCh37 (hg19) VCF-style: chr12-49420687-CGCAAG-C.
Other names: c.15057_15061delCTTGC (NM_003482.4); short protein forms L5020fs.
Identifiers: ClinVar variation 2664709 (VCV002664709.1), dbSNP rs2499038278, ClinGen allele CA2580582985.

ClinVar aggregate classification (germline): Pathogenic (1 of 4 stars; one submission).

Conditions:
Kabuki syndrome 1 (KABUK1). Also called: KMT2D-Related Kabuki Syndrome. Identifiers: Orphanet 2322, MedGen CN030661, MONDO:0007843, OMIM 147920.

Submission:

Genetics and Molecular Pathology, SA Pathology
Classification: Pathogenic for Kabuki syndrome 1. Last evaluated: 2023-06-13. Review status: criteria provided, single submitter. Criteria: ACMG Guidelines, 2015. Collection method: clinical testing. Allele origin: germline. Inheritance: Autosomal dominant inheritance. Affected: yes.
Comment: The KMT2D c.15057_15061del variant is classified as Pathogenic (PVS1, PS2, PM2) This KMT2D c.15057_15061del variant is located in exon 49/55 and is predicted to cause a shift in the reading frame at codon 5020, leading to the introduction of a premature stop codon (PVS1). This variant is absent from population databases (PM2). De novo and loss of function variants are a known mechanism of disease for Kabuki Syndrome (PMID:21671394; PMID:21607748), and phenotypic features consistent with this disease have been confirmed clinically.. This variant has not been reported in dbSNP, ClinVar or HGMD.

Literature cited by the submitters: PubMed 21607748; PubMed 21671394.